The following is an entry in ClinVar:

ClinVar aggregate classification (germline): Pathogenic. Review status: criteria provided, multiple submitters, no conflicts (2 of 4 stars). 6 submissions from 5 submitters: Pathogenic (4). 2 of the submissions do not count toward it. Last evaluated 2025-05-16.

Conditions:
Congenital myotonia, autosomal recessive form. Also called: BECKER DISEASE; myotonia congenita, autosomal recessive; Becker Generalized Myotonia. Identifiers: Orphanet 614, MedGen C0751360, MONDO:0009715, OMIM 255700.
Congenital myotonia, autosomal dominant form (THD). Also called: THOMSEN DISEASE; Myotonia congenita autosomal dominant. Identifiers: Orphanet 614, MedGen C2936781, MONDO:0008055, OMIM 160800.

Allele frequency attached by ClinVar (database versions not stated): gnomAD below 0.00001 and 0.00001; gnomAD exomes below 0.00001; TOPMed 0.00001.
gnomAD v4.1: 7 of 1,614,084 alleles (0.00043%); highest among the groups gnomAD compares: East Asian, 0.0067%; no homozygotes.

Submissions (6):

Revvity Omics, Revvity
Classification: Pathogenic. Last evaluated: 2025-05-16. Review status: criteria provided, single submitter. Criteria: ACMG Guidelines, 2015. Collection method: clinical testing. Allele origin: germline.

Labcorp Genetics (formerly Invitae), Labcorp
Classification: Pathogenic for Congenital myotonia, autosomal recessive form; Congenital myotonia, autosomal dominant form. Last evaluated: 2024-04-06. Review status: criteria provided, single submitter. Criteria: Invitae Variant Classification Sherloc (09022015). Collection method: clinical testing. Allele origin: germline.
Comment: This sequence change replaces methionine, which is neutral and non-polar, with threonine, which is neutral and polar, at codon 560 of the CLCN1 protein (p.Met560Thr). This variant is present in population databases (no rsID available, gnomAD 0.0009%). This missense change has been observed in individual(s) with myotonia congenita (PMID: 21045501, 23603549, 24349310, 25749817, 26260254). In at least one individual the data is consistent with being in trans (on the opposite chromosome) from a pathogenic variant. It has also been observed to segregate with disease in related individuals. ClinVar contains an entry for this variant (Variation ID: 935242). Advanced modeling of protein sequence and biophysical properties (such as structural, functional, and spatial information, amino acid conservation, physicochemical variation, residue mobility, and thermodynamic stability) performed at Invitae indicates that this missense variant is expected to disrupt CLCN1 protein function with a positive predictive value of 95%. For these reasons, this variant has been classified as Pathogenic.

GeneDx
Classification: Pathogenic. Last evaluated: 2022-02-11. Review status: criteria provided, single submitter. Criteria: GeneDx Variant Classification Process June 2021. Collection method: clinical testing. Allele origin: germline. Affected: yes.
Comment: Published functional studies demonstrate that p.(M560T) results in shifted voltage dependence compared to wildtype which is suggestive of loss of function (Suetterlin et al., 2021); Not observed at significant frequency in large population cohorts (gnomAD); In silico analysis supports that this missense variant has a deleterious effect on protein structure/function; This variant is associated with the following publications: (PMID: 32660787, 24349310, 28325641, 23091531, 21045501, 23603549, 23113340, 26260254, 34790634, 34675092, 34529042, 25749817)

Juno Genomics, Hangzhou Juno Genomics, Inc
Classification: Pathogenic for Congenital myotonia, autosomal dominant form; Congenital myotonia, autosomal recessive form. Review status: criteria provided, single submitter. Criteria: ACMG Guidelines, 2015. Collection method: clinical testing. Allele origin: germline.
Comment: Absent from controls (or at extremely low frequency if recessive) in Genome Aggregation Database.;Multiple lines of computational evidence support a deleterious effect on the gene or gene product.;For recessive disorders, detected in trans with a pathogenic variant.;The prevalence of the variant in affected individuals is significantly increased compared to the prevalence in controls.;Co-segregation with disease in multiple affected family members.

Department of Neurology and Geriatrics, Kagoshima University Graduate School of Medical and Dental Sciences
Classification: Likely pathogenic for Congenital myotonia, autosomal dominant form. Last evaluated: 2022-04-06. Review status: no assertion criteria provided. Collection method: research. Allele origin: germline. Affected: yes. Not counted in ClinVar's aggregate classification.

Department of Neurology and Geriatrics, Kagoshima University Graduate School of Medical and Dental Sciences
Classification: Likely pathogenic for Congenital myotonia, autosomal recessive form. Last evaluated: 2022-04-06. Review status: no assertion criteria provided. Collection method: research. Allele origin: germline. Affected: yes. Not counted in ClinVar's aggregate classification.

Literature cited by the submitters: PubMed 21045501 (cited by Labcorp Genetics (formerly Invitae), Labcorp); PubMed 23603549 (cited by Labcorp Genetics (formerly Invitae), Labcorp); PubMed 24349310 (cited by Labcorp Genetics (formerly Invitae), Labcorp); PubMed 25749817 (cited by Labcorp Genetics (formerly Invitae), Labcorp); PubMed 26260254 (cited by Labcorp Genetics (formerly Invitae), Labcorp).

NM_000083.3(CLCN1):c.1679T>C (p.Met560Thr)

Gene: CLCN1 (chloride voltage-gated channel 1; plus strand). Cytogenetic location: 7q34.
Variant type: single nucleotide variant.
Coding change: c.1679T>C on transcript NM_000083.3 (MANE Select); coding-DNA position 1679, T replaced by C.
Protein change: p.Met560Thr; replaces methionine 560 with threonine.
Molecular consequence: missense variant. On other transcripts: non-coding transcript variant (1).
Genome position (GRCh38, 1-based): chr7:143,342,025, T>C. VCF-style: chr7-143342025-T-C. GRCh37 (hg19) VCF-style: chr7-143039118-T-C.
Other names: short protein forms M560T.
Identifiers: ClinVar variation 935242 (VCV000935242.15), dbSNP rs1269268607, ClinGen allele CA369646543.